The following is an entry in ClinVar:

ClinVar aggregate classification (germline): Uncertain significance (0 of 4 stars; one submission).

Conditions:
HTR2C-related disorder. Also called: HTR2C-related condition.

gnomAD v4.1: 11 of 1,208,748 alleles (0.00091%); highest among the groups gnomAD compares: African/African-American, 0.018%; no homozygotes.

Submission:

PreventionGenetics, part of Exact Sciences
Classification: Uncertain significance for HTR2C-related condition. Last evaluated: 2023-12-11. Review status: no assertion criteria provided. Collection method: clinical testing. Allele origin: germline.
Comment: The HTR2C c.778A>T variant is predicted to result in the amino acid substitution p.Ser260Cys. To our knowledge, this variant has not been reported in the literature. This variant is reported in 0.023% of alleles in individuals of African descent in gnomAD. At this time, the clinical significance of this variant is uncertain due to the absence of conclusive functional and genetic evidence.

NM_000868.4(HTR2C):c.778A>T (p.Ser260Cys)

Genes: HTR2C (5-hydroxytryptamine receptor 2C; plus strand), LOC126863306 (MED14-independent group 3 enhancer GRCh37_chrX:114140926-114142125; plus strand). Cytogenetic location: Xq23.
Variant type: single nucleotide variant.
Coding change: c.778A>T on transcript NM_000868.4 (MANE Select); coding-DNA position 778, A replaced by T.
Protein change: p.Ser260Cys; replaces serine 260 with cysteine.
Molecular consequence: missense variant.
Genome position (GRCh38, 1-based): chrX:114,906,816, A>T. VCF-style: chrX-114906816-A-T. GRCh37 (hg19) VCF-style: chrX-114141379-A-T.
Other names: c.778A>T, p.Ser260Cys (NM_001256760.3); c.683A>T, p.Lys228Met (NM_001256761.3); short protein forms K228M, S260C.
Identifiers: ClinVar variation 3358481 (VCV003358481.1).
Genomic context (GRCh38, chrX:114,906,816, plus strand): 5'-GTTCTGCGCCGACAAGCTTTGATGTTACTGCACGGCCACACCGAGGAACCGCCTGGACTA[A>T]GTCTGGATTTCCTGAAGTGCTGCAAGAGGAATACGGCCGAGGAAGAGAACTCTGCAAACC-3'
Protein context (NP_000859.2, residues 250-270): HGHTEEPPGL[Ser260Cys]LDFLKCCKRN